The following is an entry in ClinVar:

NM_003718.5(CDK13):c.1865C>A (p.Ala622Asp)

Gene: CDK13 (cyclin dependent kinase 13; plus strand). Cytogenetic location: 7p14.1.
Variant type: single nucleotide variant.
Coding change: c.1865C>A on transcript NM_003718.5 (MANE Select); coding-DNA position 1865, C replaced by A.
Protein change: p.Ala622Asp; replaces alanine 622 with aspartic acid.
Molecular consequence: missense variant.
Genome position (GRCh38, 1-based): chr7:39,988,252, C>A. VCF-style: chr7-39988252-C-A. GRCh37 (hg19) VCF-style: chr7-40027851-C-A.
Other names: c.1865C>A, p.Ala622Asp (NM_031267.4); short protein forms A622D.
Identifiers: ClinVar variation 2185344 (VCV002185344.4), dbSNP rs773370535, ClinGen allele CA4228569.

ClinVar aggregate classification (germline): Uncertain significance (1 of 4 stars; one submission).

Allele frequency attached by ClinVar (database versions not stated): TOPMed 0.00001; ExAC 0.00002.
gnomAD v4.1: 3 of 1,590,986 alleles (0.00019%); highest among the groups gnomAD compares: Admixed American, 0.0057%; no homozygotes.

Submission:

Labcorp Genetics (formerly Invitae), Labcorp
Classification: Uncertain significance. Last evaluated: 2025-06-20. Review status: criteria provided, single submitter. Criteria: Invitae Variant Classification Sherloc (09022015). Collection method: clinical testing. Allele origin: germline.
Comment: This sequence change replaces alanine, which is neutral and non-polar, with aspartic acid, which is acidic and polar, at codon 622 of the CDK13 protein (p.Ala622Asp). This variant is present in population databases (rs773370535, gnomAD 0.004%). This variant has not been reported in the literature in individuals affected with CDK13-related conditions. ClinVar contains an entry for this variant (Variation ID: 2185344). Invitae Evidence Modeling of protein sequence and biophysical properties (such as structural, functional, and spatial information, amino acid conservation, physicochemical variation, residue mobility, and thermodynamic stability) indicates that this missense variant is not expected to disrupt CDK13 protein function with a negative predictive value of 95%. In summary, the available evidence is currently insufficient to determine the role of this variant in disease. Therefore, it has been classified as a Variant of Uncertain Significance.